The following is an entry in ClinVar:

NM_003129.4(SQLE):c.1074A>G (p.Glu358=)

Gene: SQLE (squalene epoxidase; plus strand). Cytogenetic location: 8q24.13.
Variant type: single nucleotide variant.
Coding change: c.1074A>G on transcript NM_003129.4 (MANE Select); coding-DNA position 1074, A replaced by G.
Protein change: p.Glu358=; no amino-acid change (glutamic acid 358 retained).
Molecular consequence: synonymous variant.
Genome position (GRCh38, 1-based): chr8:125,009,309, A>G. VCF-style: chr8-125009309-A-G. GRCh37 (hg19) VCF-style: chr8-126021551-A-G.
Identifiers: ClinVar variation 2658799 (VCV002658799.24), dbSNP rs2537238608, ClinGen allele CA462984074.

ClinVar aggregate classification (germline): Likely benign (1 of 4 stars; one submission).

Allele frequency attached by ClinVar (database versions not stated): gnomAD exomes below 0.00001.
gnomAD v4.1: 1 of 1,612,306 alleles (0.000062%); highest among the groups gnomAD compares: Non-Finnish European, 0.000085%; no homozygotes.

Submission:

CeGaT Center for Human Genetics Tuebingen
Classification: Likely benign. Last evaluated: 2022-10-01. Review status: criteria provided, single submitter. Criteria: CeGaT Center For Human Genetics Tuebingen Variant Classification Criteria Version 2. Collection method: clinical testing. Allele origin: germline. Affected: yes. Observed: 1 variant allele.
Comment: SQLE: PM2:Supporting, BP4, BP7